The following is an entry in ClinVar:

NM_006531.5(IFT88):c.1100T>C (p.Met367Thr)

Gene: IFT88 (intraflagellar transport 88; plus strand). Cytogenetic location: 13q12.11.
Variant type: single nucleotide variant.
Coding change: c.1100T>C on transcript NM_006531.5 (MANE Select); coding-DNA position 1100, T replaced by C.
Protein change: p.Met367Thr; replaces methionine 367 with threonine.
Molecular consequence: missense variant. On other transcripts: non-coding transcript variant (5).
Genome position (GRCh38, 1-based): chr13:20,605,093, T>C. VCF-style: chr13-20605093-T-C. GRCh37 (hg19) VCF-style: chr13-21179232-T-C.
Other names: c.1043T>C, p.Met348Thr (NM_001318491.2, NM_001353573.2, NM_001353575.2); c.1127T>C, p.Met376Thr (NM_001318493.2, NM_001353565.2, NM_001353566.2 and 2 more transcripts); c.1100T>C, p.Met367Thr (NM_001353568.2, NM_001353572.2); c.1025T>C, p.Met342Thr (NM_001353569.2, NM_001353570.2, NM_001353576.2 and 1 more transcripts); c.998T>C, p.Met333Thr (NM_001353571.2, NM_001353578.2); c.941T>C, p.Met314Thr (NM_001353574.2); c.467T>C, p.Met156Thr (NM_001353579.2); short protein forms M314T, M156T, M348T, M333T, M342T, M367T, M376T.
Identifiers: ClinVar variation 1977978 (VCV001977978.5), dbSNP rs760232648, ClinGen allele CA6905267.

ClinVar aggregate classification (germline): Uncertain significance (1 of 4 stars; one submission).

Allele frequency attached by ClinVar (database versions not stated): gnomAD exomes below 0.00001; ExAC 0.00001.
gnomAD v4.1: 1 of 1,448,214 alleles (0.000069%); highest among the groups gnomAD compares: Non-Finnish European, 0.000096%; no homozygotes.

Submission:

Labcorp Genetics (formerly Invitae), Labcorp
Classification: Uncertain significance. Last evaluated: 2022-10-04. Review status: criteria provided, single submitter. Criteria: Invitae Variant Classification Sherloc (09022015). Collection method: clinical testing. Allele origin: germline.
Comment: This variant has not been reported in the literature in individuals affected with IFT88-related conditions. In summary, the available evidence is currently insufficient to determine the role of this variant in disease. Therefore, it has been classified as a Variant of Uncertain Significance. Algorithms developed to predict the effect of missense changes on protein structure and function are either unavailable or do not agree on the potential impact of this missense change (SIFT: "Not Available"; PolyPhen-2: "Benign"; Align-GVGD: "Not Available"). This variant is present in population databases (rs760232648, gnomAD 0.0009%). This sequence change replaces methionine, which is neutral and non-polar, with threonine, which is neutral and polar, at codon 376 of the IFT88 protein (p.Met376Thr).